The following is an entry in ClinVar:

NM_001458.5(FLNC):c.1871G>C (p.Gly624Ala)

Gene: FLNC (filamin C; plus strand). Cytogenetic location: 7q32.1.
Variant type: single nucleotide variant.
Coding change: c.1871G>C on transcript NM_001458.5 (MANE Select); coding-DNA position 1871, G replaced by C.
Protein change: p.Gly624Ala; replaces glycine 624 with alanine.
Molecular consequence: missense variant.
Genome position (GRCh38, 1-based): chr7:128,841,227, G>C. VCF-style: chr7-128841227-G-C. GRCh37 (hg19) VCF-style: chr7-128481281-G-C.
Other names: c.1871G>C, p.Gly624Ala (NM_001127487.2); short protein forms G624A.
Identifiers: ClinVar variation 2011778 (VCV002011778.4), dbSNP rs2536628282, ClinGen allele CA369227257.

ClinVar aggregate classification (germline): Uncertain significance (1 of 4 stars; one submission).

Conditions:
Myofibrillar myopathy 5. Also called: Filaminopathy (type); FILAMINOPATHY, AUTOSOMAL DOMINANT. Identifiers: Orphanet 171445, MedGen C1836050, MONDO:0012289, OMIM 609524.
Hypertrophic cardiomyopathy 26. Also called: Cardiomyopathy, familial hypertrophic, 26. Identifiers: Orphanet 75249, MedGen C4310749, MONDO:0014883, OMIM 617047.
Distal myopathy with posterior leg and anterior hand involvement. Also called: WILLIAMS DISTAL MYOPATHY. Identifiers: Orphanet 63273, MedGen C3279722, MONDO:0013550, OMIM 614065.

Submission:

Labcorp Genetics (formerly Invitae), Labcorp
Classification: Uncertain significance for Distal myopathy with posterior leg and anterior hand involvement; Myofibrillar myopathy 5; Hypertrophic cardiomyopathy 26. Last evaluated: 2022-09-24. Review status: criteria provided, single submitter. Criteria: Invitae Variant Classification Sherloc (09022015). Collection method: clinical testing. Allele origin: germline.
Comment: This variant is not present in population databases (gnomAD no frequency). This variant has not been reported in the literature in individuals affected with FLNC-related conditions. Advanced modeling of protein sequence and biophysical properties (such as structural, functional, and spatial information, amino acid conservation, physicochemical variation, residue mobility, and thermodynamic stability) has been performed at Invitae for this missense variant, however the output from this modeling did not meet the statistical confidence thresholds required to predict the impact of this variant on FLNC protein function. In summary, the available evidence is currently insufficient to determine the role of this variant in disease. Therefore, it has been classified as a Variant of Uncertain Significance. This sequence change replaces glycine, which is neutral and non-polar, with alanine, which is neutral and non-polar, at codon 624 of the FLNC protein (p.Gly624Ala).